The following is an entry in ClinVar:

NM_153766.3(KCNJ1):c.598A>C (p.Ser200Arg)

Gene: KCNJ1 (potassium inwardly rectifying channel subfamily J member 1; minus strand). Cytogenetic location: 11q24.3.
Variant type: single nucleotide variant.
Coding change: c.598A>C on transcript NM_153766.3 (MANE Select); coding-DNA position 598, A replaced by C.
Protein change: p.Ser200Arg; replaces serine 200 with arginine.
Molecular consequence: missense variant.
Genome position (GRCh38, 1-based): chr11:128,839,646, T>G on the plus strand (A>C on the coding strand, the complement: KCNJ1 is on the minus strand). VCF-style: chr11-128839646-T-G. GRCh37 (hg19) VCF-style: chr11-128709541-T-G.
Other names: c.655A>C, p.Ser219Arg (NM_000220.6); c.598A>C, p.Ser200Arg (NM_153764.3, NM_153767.4); c.649A>C, p.Ser217Arg (NM_153765.3); short protein forms S200R, S217R, S219R.
Identifiers: ClinVar variation 4819690 (VCV004819690.1).

ClinVar aggregate classification (germline): Likely pathogenic (1 of 4 stars; one submission).

Conditions:
Bartter disease type 2. Also called: HYPOKALEMIC ALKALOSIS WITH HYPERCALCIURIA 2, ANTENATAL; HYPERPROSTAGLANDIN E SYNDROME 2; Bartter syndrome, type 2, antenatal. Identifiers: Orphanet 112, Orphanet 620220, MedGen C1855849, MONDO:0009424, OMIM 241200.

Submission:

Division of Genetic & Genomic Pathology, Hong Kong Children's Hospital
Classification: Likely pathogenic for Bartter disease type 2. Last evaluated: 2024-09-05. Review status: criteria provided, single submitter. Criteria: ACMG Guidelines, 2015. Collection method: clinical testing. Allele origin: germline. Affected: yes.
Comment: KCNJ1 c.598A>C p.(Ser200Arg) missense variant in exon 3 is situated in the potassium channel inwardly rectifying (Kir) protein domain. This variant is absent in control populations (gnomAD v4.1.0). A different variant (c.600C>G) giving rise to the same amino acid change has been reported to be pathogenic in patients with clinical features of Bartter’s syndrome (PMID: 8841184, 24400161, 29942493, ClinVar VCV001995667.2, VCV000009155.2). Experimental evidences suggest that p.(Ser200Arg) change affects potassium channel activity and function (PMID: 8841184, 9580661, 24400161). For these reasons, this variant is classified as likely pathogenic. This variant was inherited in trans with another missense variant.

Literature cited by the submitters: PubMed 8841184; PubMed 24400161; PubMed 29942493; PubMed 9580661.